The following is an entry in ClinVar:

ClinVar aggregate classification (germline): Uncertain significance. Review status: criteria provided, multiple submitters, no conflicts (2 of 4 stars). 2 submissions from 2 submitters: Uncertain significance (2). Last evaluated 2023-05-03.

Conditions:
Epileptic encephalopathy. Identifiers: MedGen C0543888, HP:0200134.

Allele frequency attached by ClinVar (database versions not stated): gnomAD exomes 0.00009 and 0.00002; ExAC 0.00010; gnomAD 0.00001 and 0.00002; TOPMed 0.00005; 1000 Genomes Project 30x 0.00016; 1000 Genomes Project 0.00020.

Submissions (2):

Ambry Genetics
Classification: Uncertain significance. Last evaluated: 2023-05-03. Review status: criteria provided, single submitter. Criteria: Ambry Variant Classification Scheme 2023. Collection method: clinical testing. Allele origin: germline.

Labcorp Genetics (formerly Invitae), Labcorp
Classification: Uncertain significance for Epileptic encephalopathy. Last evaluated: 2020-03-14. Review status: criteria provided, single submitter. Criteria: Invitae Variant Classification Sherloc (09022015). Collection method: clinical testing. Allele origin: germline.
Comment: This sequence change replaces glycine with aspartic acid at codon 1430 of the FASN protein (p.Gly1430Asp). The glycine residue is weakly conserved and there is a moderate physicochemical difference between glycine and aspartic acid. This variant is present in population databases (rs562361621, ExAC 0.1%). This variant has not been reported in the literature in individuals with FASN-related conditions. Algorithms developed to predict the effect of missense changes on protein structure and function output the following: SIFT: "Tolerated"; PolyPhen-2: "Benign"; Align-GVGD: "Class C0". The aspartic acid amino acid residue is found in multiple mammalian species, suggesting that this missense change does not adversely affect protein function. These predictions have not been confirmed by published functional studies and their clinical significance is uncertain. In summary, the available evidence is currently insufficient to determine the role of this variant in disease. Therefore, it has been classified as a Variant of Uncertain Significance.

NM_004104.5(FASN):c.4289G>A (p.Gly1430Asp)

Gene: FASN (fatty acid synthase; minus strand). Cytogenetic location: 17q25.3.
Variant type: single nucleotide variant.
Coding change: c.4289G>A on transcript NM_004104.5 (MANE Select); coding-DNA position 4289, G replaced by A.
Protein change: p.Gly1430Asp; replaces glycine 1430 with aspartic acid.
Molecular consequence: missense variant.
Genome position (GRCh38, 1-based): chr17:82,085,155, C>T on the plus strand (G>A on the coding strand, the complement: FASN is on the minus strand). VCF-style: chr17-82085155-C-T. GRCh37 (hg19) VCF-style: chr17-80043031-C-T.
Other names: c.4289G>A (NM_004104.4); short protein forms G1430D.
Identifiers: ClinVar variation 1039351 (VCV001039351.10), dbSNP rs562361621, ClinGen allele CA8852102.
Genomic context (GRCh38, chr17:82,085,155, plus strand): 5'-GTGGCACAGTTGATGGCCTTCAGCCACACAGGCCGGGAAGAGTCTTCGTCAGCCAGGATG[C>T]CCTACAGCGGGTCGGGGAGGGTCAGGCCACACTCGGCAAGTTGGGAGGTGGGGTGGGGCC-3'
Protein context (NP_004095.4, residues 1420-1440): TSFRWVESLK[Gly1430Asp]ILADEDSSRP